The following is an entry in ClinVar:

ClinVar aggregate classification (germline): Conflicting classifications of pathogenicity. Review status: criteria provided, conflicting classifications (1 of 4 stars). 2 submissions from 2 submitters: Likely pathogenic (1); Uncertain significance (1). Last evaluated 2026-04-23.

Conditions:
Hereditary cancer-predisposing syndrome. Also called: Neoplastic Syndromes, Hereditary; Tumor predisposition; Hereditary Cancer Syndrome; Hereditary neoplastic syndrome. Identifiers: Orphanet 140162, MedGen C0027672, MeSH D009386, MONDO:0015356.

Submissions (2):

Ambry Genetics
Classification: Likely pathogenic for Hereditary cancer-predisposing syndrome. Last evaluated: 2026-04-23. Review status: criteria provided, single submitter. Criteria: Ambry Variant Classification Scheme 2023. Collection method: clinical testing. Allele origin: germline.
Comment: The p.D102G variant (also known as c.305A>G), located in coding exon 1 of the MEN1 gene, results from an A to G substitution at nucleotide position 305. The aspartic acid at codon 102 is replaced by glycine, an amino acid with similar properties. This variant was reported in individual(s) with features consistent with multiple endocrine neoplasia type 1 (Ambry internal data). This amino acid position is highly conserved in available vertebrate species. In addition, this alteration is predicted to be deleterious by in silico analysis. This variant is considered to be rare based on population cohorts in the Genome Aggregation Database (gnomAD). Based on the majority of available evidence to date, this variant is likely to be pathogenic.

GeneDx
Classification: Uncertain significance. Last evaluated: 2023-11-13. Review status: criteria provided, single submitter. Criteria: GeneDx Variant Classification Process June 2021. Collection method: clinical testing. Allele origin: germline. Affected: yes.
Comment: Not observed at significant frequency in large population cohorts (gnomAD); In silico analysis supports that this missense variant has a deleterious effect on protein structure/function; Has not been previously published as pathogenic or benign to our knowledge

NM_001370259.2(MEN1):c.305A>G (p.Asp102Gly)

Gene: MEN1 (menin 1; minus strand). Cytogenetic location: 11q13.1.
Variant type: single nucleotide variant.
Coding change: c.305A>G on transcript NM_001370259.2 (MANE Select); coding-DNA position 305, A replaced by G.
Protein change: p.Asp102Gly; replaces aspartic acid 102 with glycine.
Molecular consequence: missense variant.
Genome position (GRCh38, 1-based): chr11:64,809,805, T>C on the plus strand (A>G on the coding strand, the complement: MEN1 is on the minus strand). VCF-style: chr11-64809805-T-C. GRCh37 (hg19) VCF-style: chr11-64577277-T-C.
Other names: c.305A>G, p.Asp102Gly (NM_000244.4, NM_001370251.2, NM_001370260.2 and 20 more transcripts); short protein forms D102G.
Identifiers: ClinVar variation 1799333 (VCV001799333.4), dbSNP rs2136185018, ClinGen allele CA381187444.